The following is an entry in ClinVar:

NM_002470.4(MYH3):c.614T>C (p.Leu205Pro)

Gene: MYH3 (myosin heavy chain 3; minus strand). Cytogenetic location: 17p13.1.
Variant type: single nucleotide variant.
Coding change: c.614T>C on transcript NM_002470.4 (MANE Select); coding-DNA position 614, T replaced by C.
Protein change: p.Leu205Pro; replaces leucine 205 with proline.
Molecular consequence: missense variant.
Genome position (GRCh38, 1-based): chr17:10,649,605, A>G on the plus strand (T>C on the coding strand, the complement: MYH3 is on the minus strand). VCF-style: chr17-10649605-A-G. GRCh37 (hg19) VCF-style: chr17-10552922-A-G.
Other names: short protein forms L205P.
Identifiers: ClinVar variation 935198 (VCV000935198.6), dbSNP rs2074356148, ClinGen allele CA398110979.

ClinVar aggregate classification (germline): Uncertain significance (1 of 4 stars; one submission).

Allele frequency attached by ClinVar (database versions not stated): gnomAD exomes below 0.00001.
gnomAD v4.1: 1 of 1,614,220 alleles (0.000062%); highest among the groups gnomAD compares: Non-Finnish European, 0.000085%; no homozygotes.

Submission:

Labcorp Genetics (formerly Invitae), Labcorp
Classification: Uncertain significance. Last evaluated: 2019-09-30. Review status: criteria provided, single submitter. Criteria: Invitae Variant Classification Sherloc (09022015). Collection method: clinical testing. Allele origin: germline.
Comment: In summary, the available evidence is currently insufficient to determine the role of this variant in disease. Therefore, it has been classified as a Variant of Uncertain Significance. Algorithms developed to predict the effect of missense changes on protein structure and function are either unavailable or do not agree on the potential impact of this missense change (SIFT: "Deleterious"; PolyPhen-2: "Benign"; Align-GVGD: "Class C65"). This variant has not been reported in the literature in individuals with MYH3-related conditions. This variant is not present in population databases (ExAC no frequency). This sequence change replaces leucine with proline at codon 205 of the MYH3 protein (p.Leu205Pro). The leucine residue is highly conserved and there is a moderate physicochemical difference between leucine and proline.